The following is an entry in ClinVar:

ClinVar aggregate classification (germline): Uncertain significance (1 of 4 stars; one submission).

Conditions:
Inborn genetic diseases. Identifiers: MedGen C0950123, MeSH D030342.

Allele frequency attached by ClinVar (database versions not stated): TOPMed below 0.00001.
gnomAD v4.1: 1 of 1,614,170 alleles (0.000062%); no homozygotes.

Submission:

Ambry Genetics
Classification: Uncertain significance for Inborn genetic diseases. Last evaluated: 2022-05-30. Review status: criteria provided, single submitter. Criteria: Ambry Variant Classification Scheme 2023. Collection method: clinical testing. Allele origin: germline.
Comment: The p.E449Q variant (also known as c.1345G>C), located in coding exon 14 of the ERCC2 gene, results from a G to C substitution at nucleotide position 1345. The glutamic acid at codon 449 is replaced by glutamine, an amino acid with highly similar properties. This amino acid position is conserved. In addition, this alteration is predicted to be tolerated by in silico analysis. Since supporting evidence is limited at this time, the clinical significance of this alteration remains unclear.

NM_000400.4(ERCC2):c.1345G>C (p.Glu449Gln)

Gene: ERCC2 (ERCC excision repair 2, TFIIH core complex helicase subunit; minus strand). Cytogenetic location: 19q13.32.
Variant type: single nucleotide variant.
Coding change: c.1345G>C on transcript NM_000400.4 (MANE Select); coding-DNA position 1345, G replaced by C.
Protein change: p.Glu449Gln; replaces glutamic acid 449 with glutamine.
Molecular consequence: missense variant.
Genome position (GRCh38, 1-based): chr19:45,357,506, C>G on the plus strand (G>C on the coding strand, the complement: ERCC2 is on the minus strand). VCF-style: chr19-45357506-C-G. GRCh37 (hg19) VCF-style: chr19-45860764-C-G.
Other names: short protein forms E449Q.
Identifiers: ClinVar variation 1770466 (VCV001770466.2), dbSNP rs1972053094, ClinGen allele CA406367534.
Genomic context (GRCh38, chr19:45,357,506, plus strand): 5'-CTAGGAGGGGACGGGGAAGGGTCCTTACCCCAGATGTGATGATGACAGACTGGAAACGCT[C>G]AAATACGGGTTTGATGGCCAGCGAGGCGTCCATGCAGCTGGAGAGAGATGAGGGCAGTGA-3'
Protein context (NP_000391.1, residues 439-459): DASLAIKPVF[Glu449Gln]RFQSVIITSG